The following is an entry in ClinVar:

ClinVar aggregate classification (germline): Benign/Likely benign. Review status: criteria provided, multiple submitters, no conflicts (2 of 4 stars). 8 submissions from 8 submitters: Benign (6); Likely benign (1). 1 of the submissions does not count toward it. Last evaluated 2026-02-04.

Conditions:
Familial dysautonomia. Also called: HSAN III; FD. Identifiers: Orphanet 1764, MedGen C0013364, MONDO:0009131, OMIM 223900. Disease mechanism: loss of function.

Allele frequency attached by ClinVar (database versions not stated): ExAC 0.01972; gnomAD 0.06087 and 0.06528; gnomAD exomes 0.00583 and 0.01562; 1000 Genomes Project 0.06649; TOPMed 0.06907; 1000 Genomes Project 30x 0.07105; ESP Exome Variant Server 0.07266.

Submissions (8):

Labcorp Genetics (formerly Invitae), Labcorp
Classification: Benign. Last evaluated: 2026-02-04. Review status: criteria provided, single submitter. Criteria: Invitae Variant Classification Sherloc (09022015). Collection method: clinical testing. Allele origin: germline.

Women's Health and Genetics/Laboratory Corporation of America, LabCorp
Classification: Likely benign. Last evaluated: 2022-05-01. Review status: criteria provided, single submitter. Criteria: LabCorp Variant Classification Summary - May 2015. Collection method: clinical testing. Allele origin: germline.

Mayo Clinic Laboratories, Mayo Clinic
Classification: Benign. Last evaluated: 2021-05-06. Review status: criteria provided, single submitter. Criteria: ACMG Guidelines, 2015. Collection method: clinical testing. Allele origin: germline. Observed: 34 variant alleles.

Illumina Laboratory Services, Illumina
Classification: Benign for Familial dysautonomia. Last evaluated: 2018-01-12. Review status: criteria provided, single submitter. Criteria: ICSL Variant Classification Criteria 13 December 2019. Collection method: clinical testing. Allele origin: germline.
Comment: This variant was observed in the ICSL laboratory as part of a predisposition screen in an ostensibly healthy population. It had not been previously curated by ICSL or reported in the Human Gene Mutation Database (HGMD: prior to June 1st, 2018), and was therefore a candidate for classification through an automated scoring system. Utilizing variant allele frequency, disease prevalence and penetrance estimates, and inheritance mode, an automated score was calculated to assess if this variant is too frequent to cause the disease. Based on the score and internal cut-off values, a variant classified as benign is not then subjected to further curation. The score for this variant resulted in a classification of benign for this disease.

GeneDx
Classification: Benign. Last evaluated: 2015-03-03. Review status: criteria provided, single submitter. Criteria: GeneDx Variant Classification Process June 2021. Collection method: clinical testing. Allele origin: germline. Affected: yes.

Breakthrough Genomics
Classification: Benign. Review status: criteria provided, single submitter. Criteria: ACMG Guidelines, 2015. Collection method: not provided. Allele origin: germline. Inheritance: Autosomal recessive inheritance. Affected: yes.

PreventionGenetics, part of Exact Sciences
Classification: Benign. Review status: criteria provided, single submitter. Criteria: ACMG Guidelines, 2015. Collection method: clinical testing. Allele origin: germline.

Natera, Inc.
Classification: Benign for Familial dysautonomia. Last evaluated: 2020-09-16. Review status: no assertion criteria provided. Collection method: clinical testing. Allele origin: germline. Not counted in ClinVar's aggregate classification.

NM_003640.5(ELP1):c.545T>A (p.Met182Lys)

Gene: ELP1 (elongator acetyltransferase complex subunit 1; minus strand). Cytogenetic location: 9q31.3.
Variant type: single nucleotide variant.
Coding change: c.545T>A on transcript NM_003640.5 (MANE Select); coding-DNA position 545, T replaced by A.
Protein change: p.Met182Lys; replaces methionine 182 with lysine.
Molecular consequence: missense variant. On other transcripts: 5 prime UTR variant (1).
Genome position (GRCh38, 1-based): chr9:108,922,849, A>T on the plus strand (T>A on the coding strand, the complement: ELP1 is on the minus strand). VCF-style: chr9-108922849-A-T. GRCh37 (hg19) VCF-style: chr9-111685129-A-T.
Other names: c.545T>A (NM_003640.4, LRG_251t1); c.203T>A, p.Met68Lys (NM_001318360.2); c.-315T>A (NM_001330749.2); short protein forms M182K, M68K.
Identifiers: ClinVar variation 259114 (VCV000259114.24), dbSNP rs10521092, ClinGen allele CA5175329.